The following is an entry in ClinVar:

ClinVar aggregate classification (germline): Likely benign. Review status: criteria provided, multiple submitters, no conflicts (2 of 4 stars). 3 submissions from 3 submitters: Likely benign (3). Last evaluated 2025-06-30.

Conditions:
Familial hypobetalipoproteinemia 1. Also called: APOB-Related Familial Hypobetalipoproteinemia; Hypobetalipoproteinemia, normotriglyceridemic; Acanthocytosis with hypobetalipoproteinemia. Identifiers: MedGen C4551990, MONDO:0014252, OMIM 615558.
Hypercholesterolemia, autosomal dominant, type B (FHCL2). Also called: Hyperlipoproteinemia Type IIb; Familial hypercholesterolemia 2; Familial Hypercholesterolemia Type B; APOLIPOPROTEIN B-100, FAMILIAL DEFECTIVE; APOLIPOPROTEIN B-100, FAMILIAL LIGAND-DEFECTIVE; HYPERCHOLESTEROLEMIA, FAMILIAL, DUE TO LIGAND-DEFECTIVE APOLIPOPROTEIN B. Identifiers: MedGen C1704417, MONDO:0007751, OMIM 144010.
Cardiovascular phenotype. Identifiers: MedGen CN230736.

Allele frequency attached by ClinVar (database versions not stated): TOPMed 0.00003; 1000 Genomes Project 30x 0.00016; 1000 Genomes Project 0.00020; ExAC 0.00001; gnomAD 0.00003.
gnomAD v4.1: 41 of 1,589,128 alleles (0.0026%); highest among the groups gnomAD compares: South Asian, 0.0088%; no homozygotes.

Submissions (3):

Labcorp Genetics (formerly Invitae), Labcorp
Classification: Likely benign for Familial hypobetalipoproteinemia 1; Hypercholesterolemia, autosomal dominant, type B. Last evaluated: 2025-06-30. Review status: criteria provided, single submitter. Criteria: Invitae Variant Classification Sherloc (09022015). Collection method: clinical testing. Allele origin: germline.

Molecular Diagnostic Laboratory for Inherited Cardiovascular Disease, Montreal Heart Institute
Classification: Likely benign. Last evaluated: 2025-04-09. Review status: criteria provided, single submitter. Criteria: ACMG Guidelines, 2015. Collection method: clinical testing. Allele origin: germline. Affected: no.
Comment: PM2, BP4, BP5

Ambry Genetics
Classification: Likely benign for Cardiovascular phenotype. Last evaluated: 2021-11-09. Review status: criteria provided, single submitter. Criteria: Ambry Variant Classification Scheme 2023. Collection method: clinical testing. Allele origin: germline.

NM_000384.3(APOB):c.3125C>T (p.Ala1042Val)

Gene: APOB (apolipoprotein B; minus strand). Cytogenetic location: 2p24.1.
Variant type: single nucleotide variant.
Coding change: c.3125C>T on transcript NM_000384.3 (MANE Select); coding-DNA position 3125, C replaced by T.
Protein change: p.Ala1042Val; replaces alanine 1042 with valine.
Molecular consequence: missense variant.
Genome position (GRCh38, 1-based): chr2:21,016,646, G>A on the plus strand (C>T on the coding strand, the complement: APOB is on the minus strand). VCF-style: chr2-21016646-G-A. GRCh37 (hg19) VCF-style: chr2-21239518-G-A.
Other names: short protein forms A1042V.
Identifiers: ClinVar variation 1727887 (VCV001727887.8), dbSNP rs61741467, ClinGen allele CA058101.